The following is an entry in ClinVar:

ClinVar aggregate classification (germline): Benign/Likely benign. Review status: criteria provided, multiple submitters, no conflicts (2 of 4 stars). 2 submissions from 2 submitters: Benign (1); Likely benign (1). Last evaluated 2019-11-29.

Conditions:
Perlman syndrome (PRLMNS). Identifiers: Orphanet 2849, MedGen C0796113, MONDO:0009965, OMIM 267000.

Allele frequency attached by ClinVar (database versions not stated): 1000 Genomes Project 0.00579; TOPMed 0.00645; 1000 Genomes Project 30x 0.00671.
gnomAD v4.1: 1,295 of 1,193,096 alleles (0.11%); highest among the groups gnomAD compares: African/African-American, 1.8%; 16 homozygotes.

Submissions (2):

GeneDx
Classification: Likely benign. Last evaluated: 2019-11-29. Review status: criteria provided, single submitter. Criteria: GeneDx Variant Classification Process June 2021. Collection method: clinical testing. Allele origin: germline. Affected: yes.

Illumina Laboratory Services, Illumina
Classification: Benign for Perlman syndrome. Last evaluated: 2018-01-13. Review status: criteria provided, single submitter. Criteria: ICSL Variant Classification Criteria 13 December 2019. Collection method: clinical testing. Allele origin: germline.
Comment: This variant was observed in the ICSL laboratory as part of a predisposition screen in an ostensibly healthy population. It had not been previously curated by ICSL or reported in the Human Gene Mutation Database (HGMD: prior to June 1st, 2018), and was therefore a candidate for classification through an automated scoring system. Utilizing variant allele frequency, disease prevalence and penetrance estimates, and inheritance mode, an automated score was calculated to assess if this variant is too frequent to cause the disease. Based on the score and internal cut-off values, a variant classified as benign is not then subjected to further curation. The score for this variant resulted in a classification of benign for this disease.

NM_152383.5(DIS3L2):c.*314A>T

Gene: DIS3L2 (DIS3 like 3'-5' exoribonuclease 2; plus strand). Cytogenetic location: 2q37.1.
Variant type: single nucleotide variant.
Coding change: c.*314A>T on transcript NM_152383.5 (MANE Select); 314 bases downstream of the stop codon, A replaced by T.
Molecular consequence: 3 prime UTR variant. On other transcripts: non-coding transcript variant (2), intron variant (1).
Genome position (GRCh38, 1-based): chr2:232,336,944, A>T. VCF-style: chr2-232336944-A-T. GRCh37 (hg19) VCF-style: chr2-233201654-A-T.
Other names: c.1582-6401A>T (NM_001257281.2).
Identifiers: ClinVar variation 897534 (VCV000897534.6), dbSNP rs187723884, ClinGen allele CA66933091.
Genomic context (GRCh38, chr2:232,336,944, plus strand): 5'-CCTTTTTTCTGGGCCCTACTGCCCTCCTCTGCCCAGGAAATGGGGGGGTTTCAGCAACTC[A>T]GTGTCACAGAATAAAATCAAGTGTGGAGTGCCATCTGGTGTGTAGGGCGCCTCTGGGAAG-3'